The following is an entry in ClinVar:

ClinVar aggregate classification (germline): Uncertain significance (1 of 4 stars; one submission).

Conditions:
Xeroderma pigmentosum (XP). Identifiers: Orphanet 910, MedGen C0043346, MONDO:0019600.

gnomAD v4.1: 4 of 1,563,346 alleles (0.00026%); highest among the groups gnomAD compares: Non-Finnish European, 0.00026%; no homozygotes.

Submission:

Sema4
Classification: Uncertain significance for Xeroderma pigmentosum. Last evaluated: 2021-12-15. Review status: criteria provided, single submitter. Criteria: Sema4 Curation Guidelines. Collection method: curation. Allele origin: germline.
Comment: The ERCC2 c.895C>T (p.R299W) variant has not been reported in the literature to our knowledge. It was observed in 1/62740 chromosomes in the Non-Finnish European subpopulation in the large and broad cohorts of the Genome Aggregation Database (PMID: 32461654). The variant has not been reported in ClinVar. Functional studies have not been performed, and in silico predictions of the variant's effect on protein function are inconclusive. The evidence is insufficient to meet ACMG/AMP criteria for classifying the variant as benign or pathogenic. Thus, the clinical significance of this variant is currently uncertain.

NM_000400.4(ERCC2):c.895C>T (p.Arg299Trp)

Gene: ERCC2 (ERCC excision repair 2, TFIIH core complex helicase subunit; minus strand). Cytogenetic location: 19q13.32.
Variant type: single nucleotide variant.
Coding change: c.895C>T on transcript NM_000400.4 (MANE Select); coding-DNA position 895, C replaced by T.
Protein change: p.Arg299Trp; replaces arginine 299 with tryptophan.
Molecular consequence: missense variant.
Genome position (GRCh38, 1-based): chr19:45,364,040, G>A on the plus strand (C>T on the coding strand, the complement: ERCC2 is on the minus strand). VCF-style: chr19-45364040-G-A. GRCh37 (hg19) VCF-style: chr19-45867298-G-A.
Other names: c.823C>T, p.Arg275Trp (NM_001130867.2); short protein forms R275W, R299W.
Identifiers: ClinVar variation 1692435 (VCV001692435.1), dbSNP rs760337216, ClinGen allele CA9513586.
Genomic context (GRCh38, chr19:45,364,040, plus strand): 5'-GCTCACCCTGCAGCACTTCGTCGGGCAGCACGGGGTTGGCCAGGTGGGCGTCCGTCTCCC[G>A]GGCGGCGCTGGCCTCCCGCAGCCCCTCCACCAGACGCCGGTACTCGTCCCGCAGGCGCTG-3'
Protein context (NP_000391.1, residues 289-309): VEGLREASAA[Arg299Trp]ETDAHLANPV